The following is an entry in ClinVar:

NM_130837.3(OPA1):c.1996G>C (p.Val666Leu)

Gene: OPA1 (OPA1 mitochondrial dynamin like GTPase; plus strand). Cytogenetic location: 3q29.
Variant type: single nucleotide variant.
Coding change: c.1996G>C on transcript NM_130837.3 (MANE Select); coding-DNA position 1996, G replaced by C.
Protein change: p.Val666Leu; replaces valine 666 with leucine.
Molecular consequence: missense variant.
Genome position (GRCh38, 1-based): chr3:193,648,855, G>C. VCF-style: chr3-193648855-G-C. GRCh37 (hg19) VCF-style: chr3-193366644-G-C.
Other names: c.1462G>C, p.Val488Leu (NM_001354663.2); c.1459G>C, p.Val487Leu (NM_001354664.2); c.1831G>C, p.Val611Leu (NM_015560.3); c.1723G>C, p.Val575Leu (NM_130831.3); c.1777G>C, p.Val593Leu (NM_130832.3); c.1834G>C, p.Val612Leu (NM_130833.3); c.1885G>C, p.Val629Leu (NM_130834.3); c.1888G>C, p.Val630Leu (NM_130835.3); and 1 more; short protein forms V488L, V575L, V612L, V487L, V629L, V593L, V630L, V648L.
Identifiers: ClinVar variation 2113423 (VCV002113423.5), dbSNP rs200756304, ClinGen allele CA2759552.

ClinVar aggregate classification (germline): Uncertain significance. Review status: criteria provided, multiple submitters, no conflicts (2 of 4 stars). 2 submissions from 2 submitters: Uncertain significance (2). Last evaluated 2025-11-15.

gnomAD v4.1: 5 of 1,606,626 alleles (0.00031%); highest among the groups gnomAD compares: Admixed American, 0.0067%; no homozygotes.

Submissions (2):

Labcorp Genetics (formerly Invitae), Labcorp
Classification: Uncertain significance. Last evaluated: 2025-11-15. Review status: criteria provided, single submitter. Criteria: Invitae Variant Classification Sherloc (09022015). Collection method: clinical testing. Allele origin: germline.
Comment: This sequence change replaces valine, which is neutral and non-polar, with leucine, which is neutral and non-polar, at codon 611 of the OPA1 protein (p.Val611Leu). This variant is present in population databases (rs200756304, gnomAD 0.0009%). This variant has not been reported in the literature in individuals affected with OPA1-related conditions. ClinVar contains an entry for this variant (Variation ID: 2113423). Invitae Evidence Modeling of protein sequence and biophysical properties (such as structural, functional, and spatial information, amino acid conservation, physicochemical variation, residue mobility, and thermodynamic stability) indicates that this missense variant is not expected to disrupt OPA1 protein function with a negative predictive value of 80%. In summary, the available evidence is currently insufficient to determine the role of this variant in disease. Therefore, it has been classified as a Variant of Uncertain Significance.

Blueprint Genetics
Classification: Uncertain significance. Last evaluated: 2022-12-30. Review status: criteria provided, single submitter. Criteria: ACMG Guidelines, 2015. Collection method: clinical testing. Allele origin: germline.